The following is an entry in ClinVar:

ClinVar aggregate classification (germline): Uncertain significance (1 of 4 stars; one submission).

Conditions:
Cutis laxa, autosomal recessive, type 1B (ARCL1B). Also called: EFEMP2-Related Cutis Laxa; CUTIS LAXA, AUTOSOMAL RECESSIVE, TYPE IB. Identifiers: Orphanet 90349, MedGen C3280798, MONDO:0013754, OMIM 614437. Disease mechanism: loss of function.

Submission:

Labcorp Genetics (formerly Invitae), Labcorp
Classification: Uncertain significance for Cutis laxa, autosomal recessive, type 1B. Last evaluated: 2020-12-18. Review status: criteria provided, single submitter. Criteria: Invitae Variant Classification Sherloc (09022015). Collection method: clinical testing. Allele origin: germline.
Comment: This sequence change replaces leucine with tryptophan at codon 79 of the EFEMP2 protein (p.Leu79Trp). The leucine residue is highly conserved and there is a small physicochemical difference between leucine and tryptophan. This variant is not present in population databases (ExAC no frequency). This variant has not been reported in the literature in individuals with EFEMP2-related conditions. Algorithms developed to predict the effect of missense changes on protein structure and function are either unavailable or do not agree on the potential impact of this missense change (SIFT: "Deleterious"; PolyPhen-2: "Probably Damaging"; Align-GVGD: "Class C0"). In summary, the available evidence is currently insufficient to determine the role of this variant in disease. Therefore, it has been classified as a Variant of Uncertain Significance.

NM_016938.5(EFEMP2):c.236T>G (p.Leu79Trp)

Gene: EFEMP2 (EGF-like fibulin extracellular matrix protein 2; minus strand). Cytogenetic location: 11q13.1.
Variant type: single nucleotide variant.
Coding change: c.236T>G on transcript NM_016938.5 (MANE Select); coding-DNA position 236, T replaced by G.
Protein change: p.Leu79Trp; replaces leucine 79 with tryptophan.
Molecular consequence: missense variant. On other transcripts: non-coding transcript variant (1).
Genome position (GRCh38, 1-based): chr11:65,871,288, A>C on the plus strand (T>G on the coding strand, the complement: EFEMP2 is on the minus strand). VCF-style: chr11-65871288-A-C. GRCh37 (hg19) VCF-style: chr11-65638759-A-C.
Other names: short protein forms L79W.
Identifiers: ClinVar variation 650033 (VCV000650033.8), dbSNP rs1591067819, ClinGen allele CA381310153.